The following is an entry in ClinVar:

ClinVar aggregate classification (germline): Pathogenic. Review status: criteria provided, multiple submitters, no conflicts (2 of 4 stars). 4 submissions from 4 submitters: Pathogenic (4). Last evaluated 2025-03-06.

Conditions:
Glutaric aciduria, type 1. Also called: Glutaricaciduria, type I; Glutaricacidemia Type 1; Glutaric Acidemia Type 1; GA I; Glutaric acidemia type I; Glutaryl-CoA dehydrogenase deficiency. Identifiers: Orphanet 25, MedGen C0268595, MONDO:0009281, OMIM 231670.

Allele frequency attached by ClinVar (database versions not stated): gnomAD 0.00001; TOPMed 0.00001.
gnomAD v4.1: 1 of 1,613,332 alleles (0.000062%); highest among the groups gnomAD compares: Non-Finnish European, 0.000085%; no homozygotes.

Submissions (4):

Myriad Genetics, Inc.
Classification: Pathogenic for Glutaric aciduria, type 1. Last evaluated: 2025-03-06. Review status: criteria provided, single submitter. Criteria: Myriad Autosomal Dominant, Autosomal Recessive and X-Linked Classification Criteria (2023). Collection method: clinical testing. Allele origin: unknown.
Comment: NM_000159.2(GCDH):c.505+1G>A is a variant in a canonical splice site classified as pathogenic in the context of glutaric acidemia, GCDH-related. c.505+1G>A has been observed in a case with relevant disease (PMID: 10699052). Relevant functional assessments of this variant are not available in the literature. c.505+1G>A has not been observed in referenced population frequency databases. In summary, NM_000159.2(GCDH):c.505+1G>A is a variant in a canonical splice site that has been observed more frequently in cases with the relevant disease than in healthy populations. Please note: this variant was assessed in the context of healthy population screening.

Baylor Genetics
Classification: Pathogenic for Glutaric aciduria, type 1. Last evaluated: 2024-02-19. Review status: criteria provided, single submitter. Criteria: ACMG Guidelines, 2015. Collection method: clinical testing. Allele origin: unknown.

Labcorp Genetics (formerly Invitae), Labcorp
Classification: Pathogenic for Glutaric aciduria, type 1. Last evaluated: 2023-07-16. Review status: criteria provided, single submitter. Criteria: Invitae Variant Classification Sherloc (09022015). Collection method: clinical testing. Allele origin: germline.
Comment: This sequence change affects a donor splice site in intron 6 of the GCDH gene. It is expected to disrupt RNA splicing. Variants that disrupt the donor or acceptor splice site typically lead to a loss of protein function (PMID: 16199547), and loss-of-function variants in GCDH are known to be pathogenic (PMID: 10699052, 11854167, 16602100). This variant is not present in population databases (gnomAD no frequency). Disruption of this splice site has been observed in individual(s) with GCDH-related conditions (PMID: 10699052, 15505393, 22106832). This variant is also known as IVS5+1G>A. ClinVar contains an entry for this variant (Variation ID: 1162199). Algorithms developed to predict the effect of sequence changes on RNA splicing suggest that this variant may disrupt the consensus splice site. For these reasons, this variant has been classified as Pathogenic.

NxGen MDx
Classification: Pathogenic for Glutaric aciduria, type 1. Last evaluated: 2020-07-16. Review status: criteria provided, single submitter. Criteria: ACMG Guidelines, 2015. Collection method: clinical testing. Allele origin: unknown.
Comment: This variant (c.505+1G>A) disrupts a canonical splice site in GCDH, in a region where loss-of-function is a known mechanism of disease (PVS1). This variant is not found in gnomAD population databases (PM2). Computational models unanimously predict pathogenicity (PP3). This variant was first reported by Christensen et al. (PMID 15505393) with R227P in trans and subsequently reported by Ben-Rebeh et al. (PMID 22106832). We interpret c.505+1G>A to be pathogenic.

Literature cited by the submitters: PubMed 10699052 (cited by Myriad Genetics, Inc. and Labcorp Genetics (formerly Invitae), Labcorp); PubMed 16199547 (cited by Labcorp Genetics (formerly Invitae), Labcorp); PubMed 11854167 (cited by Labcorp Genetics (formerly Invitae), Labcorp); PubMed 16602100 (cited by Labcorp Genetics (formerly Invitae), Labcorp); PubMed 15505393 (cited by Labcorp Genetics (formerly Invitae), Labcorp and NxGen MDx); PubMed 22106832 (cited by Labcorp Genetics (formerly Invitae), Labcorp and NxGen MDx).

NM_000159.4(GCDH):c.505+1G>A

Gene: GCDH (glutaryl-CoA dehydrogenase; plus strand). Cytogenetic location: 19p13.13.
Variant type: single nucleotide variant.
Coding change: c.505+1G>A on transcript NM_000159.4 (MANE Select); the canonical splice donor site of the intron after coding-DNA position 505, G replaced by A.
Molecular consequence: splice donor variant.
Genome position (GRCh38, 1-based): chr19:12,893,654, G>A. VCF-style: chr19-12893654-G-A. GRCh37 (hg19) VCF-style: chr19-13004468-G-A.
Other names: c.505+1G>A (NM_013976.5).
Identifiers: ClinVar variation 1162199 (VCV001162199.11), dbSNP rs968628450, ClinGen allele CA305500360.